The following is an entry in ClinVar:

NM_004153.4(ORC1):c.1926T>A (p.His642Gln)

Gene: ORC1 (origin recognition complex subunit 1; minus strand). Cytogenetic location: 1p32.3.
Variant type: single nucleotide variant.
Coding change: c.1926T>A on transcript NM_004153.4 (MANE Select); coding-DNA position 1926, T replaced by A.
Protein change: p.His642Gln; replaces histidine 642 with glutamine.
Molecular consequence: missense variant.
Genome position (GRCh38, 1-based): chr1:52,383,507, A>T on the plus strand (T>A on the coding strand, the complement: ORC1 is on the minus strand). VCF-style: chr1-52383507-A-T. GRCh37 (hg19) VCF-style: chr1-52849179-A-T.
Other names: c.1926T>A, p.His642Gln (NM_001190818.2); c.1911T>A, p.His637Gln (NM_001190819.2); short protein forms H637Q, H642Q.
Identifiers: ClinVar variation 2284423 (VCV002284423.3), dbSNP rs1279109042, ClinGen allele CA340351414.

ClinVar aggregate classification (germline): Uncertain significance. Review status: criteria provided, multiple submitters, no conflicts (2 of 4 stars). 2 submissions from 2 submitters: Uncertain significance (2). Last evaluated 2022-10-11.

Conditions:
Inborn genetic diseases. Identifiers: MedGen C0950123, MeSH D030342.
ORC1-related disorder. Also called: ORC1-related condition.

Allele frequency attached by ClinVar (database versions not stated): gnomAD exomes below 0.00001; gnomAD 0.00001; TOPMed 0.00002.
gnomAD v4.1: 2 of 1,613,780 alleles (0.00012%); highest among the groups gnomAD compares: Admixed American, 0.0017%; no homozygotes.

Submissions (2):

PreventionGenetics, part of Exact Sciences
Classification: Uncertain significance for ORC1-related condition. Last evaluated: 2022-10-11. Review status: criteria provided, single submitter. Criteria: ACMG Guidelines, 2015. Collection method: clinical testing. Allele origin: germline.
Comment: The ORC1 c.1926T>A variant is predicted to result in the amino acid substitution p.His642Gln. To our knowledge, this variant has not been reported in the literature or in a large population database, indicating this variant is rare. At this time, the clinical significance of this variant is uncertain due to the absence of conclusive functional and genetic evidence.

Ambry Genetics
Classification: Uncertain significance for Inborn genetic diseases. Last evaluated: 2022-04-14. Review status: criteria provided, single submitter. Criteria: Ambry Variant Classification Scheme 2023. Collection method: clinical testing. Allele origin: germline.